The following is an entry in ClinVar:

ClinVar aggregate classification (germline): Uncertain significance. Review status: criteria provided, multiple submitters, no conflicts (2 of 4 stars). 2 submissions from 2 submitters: Uncertain significance (2). Last evaluated 2025-01-14.

Conditions:
Inborn genetic diseases. Identifiers: MedGen C0950123, MeSH D030342.

Allele frequency attached by ClinVar (database versions not stated): gnomAD exomes below 0.00001; gnomAD 0.00001.

Submissions (2):

Ambry Genetics
Classification: Uncertain significance for Inborn genetic diseases. Last evaluated: 2025-01-14. Review status: criteria provided, single submitter. Criteria: Ambry Variant Classification Scheme 2023. Collection method: clinical testing. Allele origin: germline.

Labcorp Genetics (formerly Invitae), Labcorp
Classification: Uncertain significance. Last evaluated: 2023-12-19. Review status: criteria provided, single submitter. Criteria: Invitae Variant Classification Sherloc (09022015). Collection method: clinical testing. Allele origin: germline.
Comment: This sequence change replaces glutamic acid, which is acidic and polar, with glutamine, which is neutral and polar, at codon 227 of the NOG protein (p.Glu227Gln). This variant is present in population databases (no rsID available, gnomAD 0.007%). This variant has not been reported in the literature in individuals affected with NOG-related conditions. An algorithm developed to predict the effect of missense changes on protein structure and function (PolyPhen-2) suggests that this variant is likely to be disruptive. In summary, the available evidence is currently insufficient to determine the role of this variant in disease. Therefore, it has been classified as a Variant of Uncertain Significance.

NM_005450.6(NOG):c.679G>C (p.Glu227Gln)

Gene: NOG (noggin; plus strand). Cytogenetic location: 17q22.
Variant type: single nucleotide variant.
Coding change: c.679G>C on transcript NM_005450.6 (MANE Select); coding-DNA position 679, G replaced by C.
Protein change: p.Glu227Gln; replaces glutamic acid 227 with glutamine.
Molecular consequence: missense variant.
Genome position (GRCh38, 1-based): chr17:56,594,902, G>C. VCF-style: chr17-56594902-G-C. GRCh37 (hg19) VCF-style: chr17-54672263-G-C.
Other names: c.679G>C (NM_005450.4); short protein forms E227Q.
Identifiers: ClinVar variation 2979152 (VCV002979152.4), dbSNP rs1258962286, ClinGen allele CA399966925.